The following is an entry in ClinVar:

ClinVar aggregate classification (germline): Uncertain significance. Review status: criteria provided, multiple submitters, no conflicts (2 of 4 stars). 3 submissions from 3 submitters: Uncertain significance (3). Last evaluated 2023-12-08.

Conditions:
Hereditary cancer-predisposing syndrome. Also called: Hereditary Cancer Syndrome; Tumor predisposition; Hereditary neoplastic syndrome; Neoplastic Syndromes, Hereditary. Identifiers: Orphanet 140162, MedGen C0027672, MeSH D009386, MONDO:0015356.
Endometrial carcinoma. Also called: Endometrial carcinoma, somatic. Identifiers: MedGen C0476089, MONDO:0002447, OMIM 608089, HP:0012114.

Allele frequency attached by ClinVar (database versions not stated): gnomAD exomes below 0.00001 and 0.00001; ExAC 0.00001; gnomAD 0.00001.
gnomAD v4.1: 3 of 1,458,702 alleles (0.00021%); highest among the groups gnomAD compares: Non-Finnish European, 0.00029%; no homozygotes.

Submissions (3):

Baylor Genetics
Classification: Uncertain significance for Endometrial carcinoma. Last evaluated: 2023-12-08. Review status: criteria provided, single submitter. Criteria: ACMG Guidelines, 2015. Collection method: clinical testing. Allele origin: unknown.

Ambry Genetics
Classification: Uncertain significance for Hereditary cancer-predisposing syndrome. Last evaluated: 2023-05-18. Review status: criteria provided, single submitter. Criteria: Ambry Variant Classification Scheme 2023. Collection method: clinical testing. Allele origin: germline.
Comment: The c.2435+4A>G intronic variant results from an A to G substitution 4 nucleotides after coding exon 17 in the MSH3 gene. This nucleotide position is well conserved in available vertebrate species. In silico splice site analysis predicts that this alteration will weaken the native splice donor site; however, direct evidence is insufficient at this time (Ambry internal data). Since supporting evidence is limited at this time, the clinical significance of this alteration remains unclear.

Labcorp Genetics (formerly Invitae), Labcorp
Classification: Uncertain significance. Last evaluated: 2022-06-24. Review status: criteria provided, single submitter. Criteria: Invitae Variant Classification Sherloc (09022015). Collection method: clinical testing. Allele origin: germline.
Comment: In summary, the available evidence is currently insufficient to determine the role of this variant in disease. Therefore, it has been classified as a Variant of Uncertain Significance. Variants that disrupt the consensus splice site are a relatively common cause of aberrant splicing (PMID: 17576681, 9536098). Algorithms developed to predict the effect of sequence changes on RNA splicing suggest that this variant may disrupt the consensus splice site. This variant has not been reported in the literature in individuals affected with MSH3-related conditions. This variant is present in population databases (rs765789410, gnomAD 0.002%). This sequence change falls in intron 17 of the MSH3 gene. It does not directly change the encoded amino acid sequence of the MSH3 protein. It affects a nucleotide within the consensus splice site.

Literature cited by the submitters: PubMed 17576681 (cited by Labcorp Genetics (formerly Invitae), Labcorp); PubMed 9536098 (cited by Labcorp Genetics (formerly Invitae), Labcorp).

NM_002439.5(MSH3):c.2435+4A>G

Gene: MSH3 (mutS homolog 3; plus strand). Cytogenetic location: 5q14.1.
Variant type: single nucleotide variant.
Coding change: c.2435+4A>G on transcript NM_002439.5 (MANE Select); 4 bases into the intron after coding-DNA position 2435, A replaced by G.
Molecular consequence: intron variant.
Genome position (GRCh38, 1-based): chr5:80,778,840, A>G. VCF-style: chr5-80778840-A-G. GRCh37 (hg19) VCF-style: chr5-80074659-A-G.
Other names: c.2435+4A>G (NM_002439.3).
Identifiers: ClinVar variation 1415697 (VCV001415697.8), dbSNP rs765789410, ClinGen allele CA3328245.